The following is an entry in ClinVar:

ClinVar aggregate classification (germline): Uncertain significance (1 of 4 stars; one submission).

Conditions:
Tuberous sclerosis 2 (TSC2). Identifiers: Orphanet 805, MedGen C1860707, MONDO:0013199, OMIM 613254.

Submission:

Labcorp Genetics (formerly Invitae), Labcorp
Classification: Uncertain significance for Tuberous sclerosis 2. Last evaluated: 2024-05-13. Review status: criteria provided, single submitter. Criteria: Invitae Variant Classification Sherloc (09022015). Collection method: clinical testing. Allele origin: germline.
Comment: This sequence change falls in intron 11 of the TSC2 gene. It does not directly change the encoded amino acid sequence of the TSC2 protein. It affects a nucleotide within the consensus splice site. This variant is not present in population databases (gnomAD no frequency). This variant has not been reported in the literature in individuals affected with TSC2-related conditions. Variants that disrupt the consensus splice site are a relatively common cause of aberrant splicing (PMID: 17576681, 9536098). Algorithms developed to predict the effect of sequence changes on RNA splicing suggest that this variant is not likely to affect RNA splicing. In summary, the available evidence is currently insufficient to determine the role of this variant in disease. Therefore, it has been classified as a Variant of Uncertain Significance.

Literature cited by the submitters: PubMed 17576681; PubMed 9536098.

NM_000548.5(TSC2):c.1119+4G>C

Gene: TSC2 (TSC complex subunit 2; plus strand). Cytogenetic location: 16p13.3.
Variant type: single nucleotide variant.
Coding change: c.1119+4G>C on transcript NM_000548.5 (MANE Select); 4 bases into the intron after coding-DNA position 1119, G replaced by C.
Molecular consequence: intron variant.
Genome position (GRCh38, 1-based): chr16:2,060,817, G>C. VCF-style: chr16-2060817-G-C. GRCh37 (hg19) VCF-style: chr16-2110818-G-C.
Other names: c.-313+4G>C (NM_001406693.1, NM_001406689.1, NM_001406690.1 and 4 more transcripts); c.1209+4G>C (NM_001406667.1, NM_001406668.1); c.519+4G>C (NM_001406680.1, NM_001406683.1, NM_001406687.1 and 6 more transcripts); c.-489+4G>C (NM_001406698.1); c.1119+4G>C (NM_001114382.3, NM_001406663.1, NM_001406664.1 and 6 more transcripts); c.-194+4G>C (NM_001406694.1, NM_001406695.1); c.1107+4G>C (NM_001406671.1, NM_001406673.1); c.657+4G>C (NM_001406681.1); and 4 more.
Identifiers: ClinVar variation 2693662 (VCV002693662.3), dbSNP rs2151139421, ClinGen allele CA2697549624.